The following is an entry in ClinVar:

ClinVar aggregate classification (germline): Likely benign (1 of 4 stars; one submission).

Allele frequency attached by ClinVar (database versions not stated): gnomAD 0.00044.
gnomAD v4.1: 57 of 133,014 alleles (0.043%); highest among the groups gnomAD compares: African/African-American, 0.088%; 6 homozygotes.

Submission:

CeGaT Center for Human Genetics Tuebingen
Classification: Likely benign. Last evaluated: 2023-03-01. Review status: criteria provided, single submitter. Criteria: CeGaT Center For Human Genetics Tuebingen Variant Classification Criteria Version 2. Collection method: clinical testing. Allele origin: germline. Affected: yes. Observed: 1 variant allele.
Comment: SLC37A1: BS2

NM_001320537.2(SLC37A1):c.1423+1780G>C

Gene: SLC37A1 (solute carrier family 37 member 1; plus strand). Cytogenetic location: 21q22.3.
Variant type: single nucleotide variant.
Coding change: c.1423+1780G>C on transcript NM_001320537.2 (MANE Select); 1780 bases into the intron after coding-DNA position 1423, G replaced by C.
Molecular consequence: intron variant.
Genome position (GRCh38, 1-based): chr21:42,570,218, G>C. VCF-style: chr21-42570218-G-C. GRCh37 (hg19) VCF-style: chr21-43990328-G-C.
Other names: c.1423+1780G>C (NM_018964.4).
Identifiers: ClinVar variation 2652712 (VCV002652712.24), dbSNP rs1244355043, ClinGen allele CA638067229.